The following is an entry in ClinVar:

ClinVar aggregate classification (germline): Pathogenic. Review status: criteria provided, multiple submitters, no conflicts (2 of 4 stars). 8 submissions from 8 submitters: Pathogenic (8). Last evaluated 2025-10-18.

Conditions:
Hereditary cancer-predisposing syndrome. Also called: Hereditary neoplastic syndrome; Hereditary Cancer Syndrome; Neoplastic Syndromes, Hereditary; Tumor predisposition. Identifiers: Orphanet 140162, MedGen C0027672, MeSH D009386, MONDO:0015356.
Neurofibromatosis, type 1 (NF1). Also called: Neurofibromatosis, type I; VON RECKLINGHAUSEN DISEASE; NEUROFIBROMATOSIS, TYPE I, SOMATIC; Peripheral type neurofibromatosis. Identifiers: Orphanet 636, MedGen C0027831, MONDO:0018975, OMIM 162200. Disease mechanism: loss of function.

Submissions (8):

Mayo Clinic Laboratories, Mayo Clinic
Classification: Pathogenic. Last evaluated: 2025-10-18. Review status: criteria provided, single submitter. Criteria: ACMG Guidelines, 2015. Collection method: clinical testing. Allele origin: germline. Observed: 1 variant allele.
Comment: PP4, PM2_supporting, PS4_moderate, PVS1

Labcorp Genetics (formerly Invitae), Labcorp
Classification: Pathogenic for Neurofibromatosis, type 1. Last evaluated: 2025-09-30. Review status: criteria provided, single submitter. Criteria: Invitae Variant Classification Sherloc (09022015). Collection method: clinical testing. Allele origin: germline.
Comment: This sequence change creates a premature translational stop signal (p.Lys1640Glyfs*36) in the NF1 gene. It is expected to result in an absent or disrupted protein product. Loss-of-function variants in NF1 are known to be pathogenic (PMID: 10712197, 23913538). This variant is not present in population databases (gnomAD no frequency). This premature translational stop signal has been observed in individuals with neurofibromatosis, type 1 (PMID: 9180088, 24676424, 26478990). Invitae Evidence Modeling of clinical and family history, age, sex, and reported ancestry of multiple individuals with this NF1 variant has been performed. This variant is expected to be pathogenic with a positive predictive value of at least 99%. This is a validated machine learning model that incorporates the clinical features of 1,785,918 individuals referred to our laboratory for NF1 testing. This variant is also known as 4914delCTCT. ClinVar contains an entry for this variant (Variation ID: 426127). For these reasons, this variant has been classified as Pathogenic.

GeneDx
Classification: Pathogenic. Last evaluated: 2024-01-24. Review status: criteria provided, single submitter. Criteria: GeneDx Variant Classification Process June 2021. Collection method: clinical testing. Allele origin: germline. Affected: yes.
Comment: Frameshift variant predicted to result in protein truncation or nonsense mediated decay in a gene for which loss of function is a known mechanism of disease; Not observed at significant frequency in large population cohorts (gnomAD); This variant is associated with the following publications: (PMID: 15060124, 9180088, 26478990, 24676424, 35601813, 31370276)

3billion
Classification: Pathogenic for Neurofibromatosis, type 1. Last evaluated: 2022-09-01. Review status: criteria provided, single submitter. Criteria: ACMG Guidelines, 2015. Collection method: clinical testing. Allele origin: germline. Affected: yes. Observed: 1 heterozygote.
Comment: The variant is not observed in the gnomAD v2.1.1 dataset. Frameshift variant is predicted to result in a loss or disruption of normal protein function through nonsense-mediated decay (NMD) or protein truncation. Multiple pathogenic variants are reported downstream of the variant. The variant has been reported at least twice as pathogenic with clinical assertions and evidence for the classification (ClinVar ID: VCV000426127 / PMID: 9180088). Therefore, this variant is classified as Pathogenic according to the recommendation of ACMG/AMP guideline.

Genome-Nilou Lab
Classification: Pathogenic for Neurofibromatosis, type 1. Last evaluated: 2022-03-15. Review status: criteria provided, single submitter. Criteria: ACMG Guidelines, 2015. Collection method: clinical testing. Allele origin: germline. Affected: no.

Center for Human Genetics, Inc
Classification: Pathogenic for Neurofibromatosis, type 1. Last evaluated: 2016-11-01. Review status: criteria provided, single submitter. Criteria: ACMG Guidelines, 2015. Collection method: clinical testing. Allele origin: germline. Affected: yes.

Ambry Genetics
Classification: Pathogenic for Hereditary cancer-predisposing syndrome. Last evaluated: 2014-06-13. Review status: criteria provided, single submitter. Criteria: Ambry Autosomal Dominant and X-Linked criteria (10/2015). Collection method: clinical testing. Allele origin: germline. Observed: 1 variant allele.
Comment: The c.4977_4980delCTCT(also known as c.4914delCTCT) pathogenic mutation, located in coding exon 37 of the NF1 gene, results from a deletion of 4 nucleotides between nucleotide positions 4977 and 4980, causing a translational frameshift with a predicted alternate stop codon (<span style="background-color: initial;">p.K1661Gfs*36)<span style="background-color: initial;">. In addition to the clinical data presented in the literature, s<span data-redactor="verified" style="background-color: initial;">ince frameshifts are typically deleterious in nature, this alteration is interpreted as a disease-causing mutation (ACMG Recommendations for Standards for Interpretation and Reporting of Sequence Variations. Revision 2007. Genet Med. 2008;10:294).

Neuberg Centre For Genomic Medicine, NCGM
Classification: Pathogenic for Neurofibromatosis, type 1. Review status: criteria provided, single submitter. Criteria: ACMG Guidelines, 2015. Collection method: clinical testing. Allele origin: germline. Inheritance: Autosomal dominant inheritance. Affected: yes.
Comment: The frameshift deletion p.K1640Gfs*36 in NF1 (NM_000267.3) has been reported in affected individuals (Side et al., 1997; Uusitalo et al., 2014; Esposito et al., 2015). It has been submitted to ClinVar as Pathogenic.The p.K1640Gfs*36 variant is novel (not in any individuals) in gnomAD Exomes and is novel (not in any individuals) in 1000 Genomes. This variant is predicted to cause loss of normal protein function through protein truncation. For these reasons, this variant has been classified as Pathogenic.

Literature cited by the submitters: PubMed 15060124 (cited by Mayo Clinic Laboratories, Mayo Clinic); PubMed 24676424 (cited by Mayo Clinic Laboratories, Mayo Clinic and Labcorp Genetics (formerly Invitae), Labcorp); PubMed 31370276 (cited by Mayo Clinic Laboratories, Mayo Clinic); PubMed 9180088 (cited by 4 submitters); PubMed 10712197 (cited by Labcorp Genetics (formerly Invitae), Labcorp); PubMed 23913538 (cited by Labcorp Genetics (formerly Invitae), Labcorp); PubMed 26478990 (cited by Labcorp Genetics (formerly Invitae), Labcorp).

NM_001042492.3(NF1):c.4977_4980del (p.Lys1661fs)

Gene: NF1 (neurofibromin 1; plus strand). Cytogenetic location: 17q11.2.
Variant type: Microsatellite.
Coding change: c.4977_4980del on transcript NM_001042492.3 (MANE Select); coding-DNA positions 4977 to 4980, 4 bases deleted (CTCT; older notation c.4977_4980delCTCT).
Protein change: p.Lys1661fs; shifts the reading frame from lysine 1661.
Molecular consequence: frameshift variant.
Genome position (GRCh38, 1-based): chr17:31,325,961-31,325,964, CTCT deleted; deleting any 4 consecutive bases within chr17:31,325,958-31,325,964 gives the same sequence; the c. name uses the placement nearest the transcript's 3' end. VCF-style (leftmost placement, unchanged base first): chr17-31325957-TTCTC-T. GRCh37 (hg19) VCF-style: chr17-29652975-TTCTC-T.
Other names: p.Lys1640Glyfs*36; c.4914_4917delCTCT (NM_000267.3); c.4977_4980delCTCT (NM_001042492.2); c.4912_4913CT[1], p.Lys1640Glyfs (NM_000267.4); short protein forms K1661fs, K1640fs.
Identifiers: ClinVar variation 426127 (VCV000426127.15), dbSNP rs1085307459, ClinGen allele CA645294096.